The following is an entry in ClinVar:

ClinVar aggregate classification (germline): Uncertain significance (1 of 4 stars; one submission).

Conditions:
ADCY3-related disorder. Also called: ADCY3-related condition.

gnomAD v4.1: 4 of 1,614,250 alleles (0.00025%); highest among the groups gnomAD compares: Non-Finnish European, 0.00034%; no homozygotes.

Submission:

PreventionGenetics, part of Exact Sciences
Classification: Uncertain significance for ADCY3-related condition. Last evaluated: 2026-01-07. Review status: criteria provided, single submitter. Criteria: ACMG Guidelines, 2015. Collection method: clinical testing. Allele origin: germline.
Comment: The ADCY3 c.2302C>G variant is predicted to result in the amino acid substitution p.Leu768Val. To our knowledge, this variant has not been reported in the literature or in a large population database (gnomAD), indicating this variant is rare. At this time, the clinical significance of this variant is uncertain due to the absence of conclusive functional and genetic evidence.

NM_004036.5(ADCY3):c.2302C>G (p.Leu768Val)

Gene: ADCY3 (adenylate cyclase 3; minus strand). Cytogenetic location: 2p23.3.
Variant type: single nucleotide variant.
Coding change: c.2302C>G on transcript NM_004036.5 (MANE Select); coding-DNA position 2302, C replaced by G.
Protein change: p.Leu768Val; replaces leucine 768 with valine.
Molecular consequence: missense variant. On other transcripts: intron variant (2).
Genome position (GRCh38, 1-based): chr2:24,828,032, G>C on the plus strand (C>G on the coding strand, the complement: ADCY3 is on the minus strand). VCF-style: chr2-24828032-G-C. GRCh37 (hg19) VCF-style: chr2-25050901-G-C.
Other names: c.2302C>G, p.Leu768Val (NM_001320613.2, NM_001377132.1); c.2368C>G, p.Leu790Val (NM_001377128.1); c.1579C>G, p.Leu527Val (NM_001377131.1); c.2172+2677C>G (NM_001377130.1); c.2173-9C>G (NM_001377129.1); short protein forms L527V, L768V, L790V.
Identifiers: ClinVar variation 4990685 (VCV004990685.1).